The following is an entry in ClinVar:

ClinVar aggregate classification (germline): Uncertain significance (1 of 4 stars; one submission).

Conditions:
Tuberous sclerosis 2 (TSC2). Identifiers: Orphanet 805, MedGen C1860707, MONDO:0013199, OMIM 613254.

Submission:

Labcorp Genetics (formerly Invitae), Labcorp
Classification: Uncertain significance for Tuberous sclerosis 2. Last evaluated: 2024-05-22. Review status: criteria provided, single submitter. Criteria: Invitae Variant Classification Sherloc (09022015). Collection method: clinical testing. Allele origin: germline.
Comment: This sequence change replaces lysine, which is basic and polar, with asparagine, which is neutral and polar, at codon 1404 of the TSC2 protein (p.Lys1404Asn). This variant is not present in population databases (gnomAD no frequency). This variant has not been reported in the literature in individuals affected with TSC2-related conditions. ClinVar contains an entry for this variant (Variation ID: 1026982). Advanced modeling of protein sequence and biophysical properties (such as structural, functional, and spatial information, amino acid conservation, physicochemical variation, residue mobility, and thermodynamic stability) performed at Invitae indicates that this missense variant is not expected to disrupt TSC2 protein function with a negative predictive value of 95%. In summary, the available evidence is currently insufficient to determine the role of this variant in disease. Therefore, it has been classified as a Variant of Uncertain Significance.

NM_000548.5(TSC2):c.4212G>C (p.Lys1404Asn)

Gene: TSC2 (TSC complex subunit 2; plus strand). Cytogenetic location: 16p13.3.
Variant type: single nucleotide variant.
Coding change: c.4212G>C on transcript NM_000548.5 (MANE Select); coding-DNA position 4212, G replaced by C.
Protein change: p.Lys1404Asn; replaces lysine 1404 with asparagine.
Molecular consequence: missense variant.
Genome position (GRCh38, 1-based): chr16:2,084,434, G>C. VCF-style: chr16-2084434-G-C. GRCh37 (hg19) VCF-style: chr16-2134435-G-C.
Other names: c.4011G>C, p.Lys1337Asn (NM_001077183.3); c.4143G>C, p.Lys1381Asn (NM_001114382.3); c.3903G>C, p.Lys1301Asn (NM_001318827.2); c.3867G>C, p.Lys1289Asn (NM_001318829.2); c.3480G>C, p.Lys1160Asn (NM_001318831.2); c.4044G>C, p.Lys1348Asn (NM_001318832.2); c.4014G>C, p.Lys1338Asn (NM_001363528.2); c.4080G>C, p.Lys1360Asn (NM_001370404.1); and 1 more; short protein forms K1160N, K1289N, K1301N, K1337N, K1338N, K1348N, K1360N, K1361N.
Identifiers: ClinVar variation 1026982 (VCV001026982.10), dbSNP rs2090506660, ClinGen allele CA394299965.